The following is an entry in ClinVar:

ClinVar aggregate classification (germline): Uncertain significance. Review status: criteria provided, multiple submitters, no conflicts (2 of 4 stars). 3 submissions from 3 submitters: Uncertain significance (2). 1 of the submissions does not count toward it. Last evaluated 2024-03-25.

Conditions:
Familial dysautonomia. Also called: FD; HSAN III. Identifiers: Orphanet 1764, MedGen C0013364, MONDO:0009131, OMIM 223900. Disease mechanism: loss of function.
Medulloblastoma (MDB). Also called: Medulloblastoma, somatic; MEDULLOBLASTOMA PREDISPOSITION SYNDROME. Identifiers: Orphanet 616, MedGen C0025149, MeSH D008527, MONDO:0007959, OMIM 155255, HP:0002885.

Allele frequency attached by ClinVar (database versions not stated): TOPMed 0.00003.

Submissions (3):

Fulgent Genetics
Classification: Uncertain significance for Medulloblastoma; Familial dysautonomia. Last evaluated: 2024-03-25. Review status: criteria provided, single submitter. Criteria: ACMG Guidelines, 2015. Collection method: clinical testing. Allele origin: germline.

Labcorp Genetics (formerly Invitae), Labcorp
Classification: Uncertain significance. Last evaluated: 2022-07-13. Review status: criteria provided, single submitter. Criteria: Invitae Variant Classification Sherloc (09022015). Collection method: clinical testing. Allele origin: germline.
Comment: This sequence change replaces alanine, which is neutral and non-polar, with glycine, which is neutral and non-polar, at codon 179 of the ELP1 protein (p.Ala179Gly). This variant is present in population databases (rs758442235, gnomAD 0.03%). This variant has not been reported in the literature in individuals affected with ELP1-related conditions. ClinVar contains an entry for this variant (Variation ID: 455970). Algorithms developed to predict the effect of missense changes on protein structure and function are either unavailable or do not agree on the potential impact of this missense change (SIFT: "Tolerated"; PolyPhen-2: "Probably Damaging"; Align-GVGD: "Class C0"). Algorithms developed to predict the effect of sequence changes on RNA splicing suggest that this variant may disrupt the consensus splice site. In summary, the available evidence is currently insufficient to determine the role of this variant in disease. Therefore, it has been classified as a Variant of Uncertain Significance.

Natera, Inc.
Classification: Uncertain significance for Familial dysautonomia. Last evaluated: 2020-09-16. Review status: no assertion criteria provided. Collection method: clinical testing. Allele origin: germline. Not counted in ClinVar's aggregate classification.

NM_003640.5(ELP1):c.536C>G (p.Ala179Gly)

Gene: ELP1 (elongator acetyltransferase complex subunit 1; minus strand). Cytogenetic location: 9q31.3.
Variant type: single nucleotide variant.
Coding change: c.536C>G on transcript NM_003640.5 (MANE Select); coding-DNA position 536, C replaced by G.
Protein change: p.Ala179Gly; replaces alanine 179 with glycine.
Molecular consequence: missense variant. On other transcripts: 5 prime UTR variant (1).
Genome position (GRCh38, 1-based): chr9:108,922,858, G>C on the plus strand (C>G on the coding strand, the complement: ELP1 is on the minus strand). VCF-style: chr9-108922858-G-C. GRCh37 (hg19) VCF-style: chr9-111685138-G-C.
Other names: c.194C>G, p.Ala65Gly (NM_001318360.2); c.-324C>G (NM_001330749.2); c.536C>G (LRG_251t1); short protein forms A179G, A65G.
Identifiers: ClinVar variation 455970 (VCV000455970.6), dbSNP rs758442235, ClinGen allele CA5175330.
Genomic context (GRCh38, chr9:108,922,858, plus strand): 5'-CATTTGTTCCAGTCAAGGCTTTTTATCCATCAAACCAAACTTACCATTTGCATCTGAAAA[G>C]CTGCTTGTCTGCCTTCTGATCCATGGAACTGTGTCTCCTTCCTACCCCATCCAACAGTGA-3'
Protein context (NP_003631.2, residues 169-189): QFHGSEGRQA[Ala179Gly]FQMQMHESAL